The following is an entry in ClinVar:

NM_001365951.3(KIF1B):c.4280G>C (p.Ser1427Thr)

Gene: KIF1B (kinesin family member 1B; plus strand). Cytogenetic location: 1p36.22.
Variant type: single nucleotide variant.
Coding change: c.4280G>C on transcript NM_001365951.3 (MANE Select); coding-DNA position 4280, G replaced by C.
Protein change: p.Ser1427Thr; replaces serine 1427 with threonine.
Molecular consequence: missense variant.
Genome position (GRCh38, 1-based): chr1:10,361,801, G>C. VCF-style: chr1-10361801-G-C. GRCh37 (hg19) VCF-style: chr1-10421859-G-C.
Other names: c.4280G>C, p.Ser1427Thr (NM_001365952.1); c.4142G>C, p.Ser1381Thr (NM_015074.3); short protein forms S1381T, S1427T.
Identifiers: ClinVar variation 1009040 (VCV001009040.12), dbSNP rs755113137, ClinGen allele CA338317772.

ClinVar aggregate classification (germline): Uncertain significance. Review status: criteria provided, multiple submitters, no conflicts (2 of 4 stars). 2 submissions from 2 submitters: Uncertain significance (2). Last evaluated 2025-09-29.

Conditions:
Charcot-Marie-Tooth disease type 2. Also called: Charcot-Marie-Tooth type 2. Identifiers: Orphanet 64746, MedGen C0270914, MONDO:0018993.

gnomAD v4.1: 1 of 1,614,088 alleles (0.000062%); highest among the groups gnomAD compares: African/African-American, 0.0013%; no homozygotes.

Submissions (2):

Ambry Genetics
Classification: Uncertain significance. Last evaluated: 2025-09-29. Review status: criteria provided, single submitter. Criteria: Ambry Variant Classification Scheme 2023. Collection method: clinical testing. Allele origin: germline.
Comment: The p.S1381T variant (also known as c.4142G>C), located in coding exon 37 of the KIF1B gene, results from a G to C substitution at nucleotide position 4142. The serine at codon 1381 is replaced by threonine, an amino acid with similar properties. This amino acid position is highly conserved in available vertebrate species. In addition, the in silico prediction for this alteration is inconclusive. Since supporting evidence is limited at this time, the clinical significance of this alteration remains unclear.

Labcorp Genetics (formerly Invitae), Labcorp
Classification: Uncertain significance for Charcot-Marie-Tooth disease type 2. Last evaluated: 2020-08-10. Review status: criteria provided, single submitter. Criteria: Invitae Variant Classification Sherloc (09022015). Collection method: clinical testing. Allele origin: germline.
Comment: This sequence change replaces serine with threonine at codon 1381 of the KIF1B protein (p.Ser1381Thr). The serine residue is moderately conserved and there is a small physicochemical difference between serine and threonine. In summary, the available evidence is currently insufficient to determine the role of this variant in disease. Therefore, it has been classified as a Variant of Uncertain Significance. Algorithms developed to predict the effect of missense changes on protein structure and function (SIFT, PolyPhen-2, Align-GVGD) all suggest that this variant is likely to be tolerated, but these predictions have not been confirmed by published functional studies and their clinical significance is uncertain. This variant has not been reported in the literature in individuals with KIF1B-related conditions. This variant is not present in population databases (ExAC no frequency).